The following is an entry in ClinVar:

NM_001032283.3(TMPO):c.565+1305T>G

Gene: TMPO (thymopoietin; plus strand). Cytogenetic location: 12q23.1.
Variant type: single nucleotide variant.
Coding change: c.565+1305T>G on transcript NM_001032283.3 (MANE Select); 1305 bases into the intron after coding-DNA position 565, T replaced by G.
Molecular consequence: intron variant. On other transcripts: missense variant (1).
Genome position (GRCh38, 1-based): chr12:98,533,143, T>G. VCF-style: chr12-98533143-T-G. GRCh37 (hg19) VCF-style: chr12-98926921-T-G.
Other names: c.886T>G, p.Ser296Ala (NM_003276.2); c.565+1305T>G (NM_001307975.2, NM_001032284.3); short protein forms S296A.
Identifiers: ClinVar variation 191790 (VCV000191790.6), dbSNP rs201730568, ClinGen allele CA237556.
Genomic context (GRCh38, chr12:98,533,143, plus strand): 5'-TTGTTTATTTCATGCAAGTCTAGCCATGATAGGTGTTTAGAGAAAAGTTCTTCGTCATCT[T>G]CTCAGCCTGAACACAGTGCCATGTTGGTCTCTACTGCAGCTTCTCCTTCACTGATTAAAG-3'

ClinVar aggregate classification (germline): Uncertain significance. Review status: criteria provided, multiple submitters, no conflicts (2 of 4 stars). 3 submissions from 3 submitters: Uncertain significance (3). Last evaluated 2023-07-17.

Conditions:
Loeys-Dietz syndrome 2 (LDS2). Also called: TGFBR2-Related Loeys-Dietz Syndrome; Marfan Syndrome type 2; Marfan like connective tissue disorder; MFS 2; Marfan syndrome, type 2 (formerly); AORTIC ANEURYSM, FAMILIAL THORACIC 3. Identifiers: Orphanet 284973, Orphanet 558, MedGen C2674574, MONDO:0012427, OMIM 610168.

Allele frequency attached by ClinVar (database versions not stated): gnomAD exomes below 0.00001 and 0.00001; gnomAD 0.00001.
gnomAD v4.1: 8 of 1,614,068 alleles (0.0005%); highest among the groups gnomAD compares: Non-Finnish European, 0.00059%; no homozygotes.

Submissions (3):

Labcorp Genetics (formerly Invitae), Labcorp
Classification: Uncertain significance for Loeys-Dietz syndrome 2. Last evaluated: 2023-07-17. Review status: criteria provided, single submitter. Criteria: Invitae Variant Classification Sherloc (09022015). Collection method: clinical testing. Allele origin: germline.
Comment: In summary, the available evidence is currently insufficient to determine the role of this variant in disease. Therefore, it has been classified as a Variant of Uncertain Significance. Advanced modeling of protein sequence and biophysical properties (such as structural, functional, and spatial information, amino acid conservation, physicochemical variation, residue mobility, and thermodynamic stability) performed at Invitae indicates that this missense variant is not expected to disrupt TMPO protein function. ClinVar contains an entry for this variant (Variation ID: 191790). This variant has not been reported in the literature in individuals affected with TMPO-related conditions. This variant is present in population databases (rs201730568, gnomAD 0.0009%). This sequence change replaces serine, which is neutral and polar, with alanine, which is neutral and non-polar, at codon 296 of the TMPO protein (p.Ser296Ala).

Ambry Genetics
Classification: Uncertain significance. Last evaluated: 2018-11-13. Review status: criteria provided, single submitter. Criteria: Ambry Variant Classification Scheme 2023. Collection method: clinical testing. Allele origin: germline.
Comment: The p.S296A variant (also known as c.886T>G), located in coding exon 4 of the TMPO gene, results from a T to G substitution at nucleotide position 886. The serine at codon 296 is replaced by alanine, an amino acid with similar properties. This alteration has been reported as a secondary cardiac variant in an exome cohort (Ng D et al. Circ Cardiovasc Genet, 2013 Aug;6:337-46). This amino acid position is not well conserved in available vertebrate species. In addition, this alteration is predicted to be tolerated by in silico analysis. Since supporting evidence is limited at this time, the clinical significance of this alteration remains unclear.

Biesecker Lab/Clinical Genomics Section, National Institutes of Health
Classification: Uncertain significance. Last evaluated: 2013-06-24. Review status: criteria provided, single submitter. Criteria: Ng et al. (Circ Cardiovasc Genet. 2013). Collection method: research. Allele origin: unknown. Observed: 1 variant allele. Study: ClinSeq.
Comment: The study set was not selected for affection status in relation to any cancer. Pathogenicity categories were based on literature curation. See Pubmed ID:23861362 for details.

Medical sequencing

Literature cited by the submitters: PubMed 23861362 (cited by Ambry Genetics).